The following is an entry in ClinVar:

ClinVar aggregate classification (germline): Uncertain significance. Review status: criteria provided, multiple submitters, no conflicts (2 of 4 stars). 3 submissions from 3 submitters: Uncertain significance (2). 1 of the submissions does not count toward it. Last evaluated 2025-06-12.

Conditions:
KANK4-related disorder. Also called: KANK4-related condition.

gnomAD v4.1: 19 of 1,614,124 alleles (0.0012%); highest among the groups gnomAD compares: African/African-American, 0.024%; no homozygotes.

Submissions (3):

Labcorp Genetics (formerly Invitae), Labcorp
Classification: Uncertain significance. Last evaluated: 2025-06-12. Review status: criteria provided, single submitter. Criteria: Invitae Variant Classification Sherloc (09022015). Collection method: clinical testing. Allele origin: germline.
Comment: This sequence change replaces histidine, which is basic and polar, with tyrosine, which is neutral and polar, at codon 492 of the KANK4 protein (p.His492Tyr). This variant is present in population databases (rs148533474, gnomAD 0.03%). This variant has not been reported in the literature in individuals affected with KANK4-related conditions. ClinVar contains an entry for this variant (Variation ID: 3350287). An algorithm developed to predict the effect of missense changes on protein structure and function outputs the following: PolyPhen-2: "Benign". The tyrosine amino acid residue is found in multiple mammalian species, which suggests that this missense change does not adversely affect protein function. In summary, the available evidence is currently insufficient to determine the role of this variant in disease. Therefore, it has been classified as a Variant of Uncertain Significance.

Ambry Genetics
Classification: Uncertain significance. Last evaluated: 2024-11-22. Review status: criteria provided, single submitter. Criteria: Ambry Variant Classification Scheme 2023. Collection method: clinical testing. Allele origin: germline.

PreventionGenetics, part of Exact Sciences
Classification: Uncertain significance for KANK4-related condition. Last evaluated: 2024-04-14. Review status: no assertion criteria provided. Collection method: clinical testing. Allele origin: germline. Not counted in ClinVar's aggregate classification.
Comment: The KANK4 c.1474C>T variant is predicted to result in the amino acid substitution p.His492Tyr. To our knowledge, this variant has not been reported in the literature. This variant is reported in 0.028% of alleles in individuals of African descent in gnomAD. At this time, the clinical significance of this variant is uncertain due to the absence of conclusive functional and genetic evidence.

NM_181712.5(KANK4):c.1474C>T (p.His492Tyr)

Gene: KANK4 (KN motif and ankyrin repeat domains 4; minus strand). Cytogenetic location: 1p31.3.
Variant type: single nucleotide variant.
Coding change: c.1474C>T on transcript NM_181712.5 (MANE Select); coding-DNA position 1474, C replaced by T.
Protein change: p.His492Tyr; replaces histidine 492 with tyrosine.
Molecular consequence: missense variant. On other transcripts: intron variant (1).
Genome position (GRCh38, 1-based): chr1:62,273,630, G>A on the plus strand (C>T on the coding strand, the complement: KANK4 is on the minus strand). VCF-style: chr1-62273630-G-A. GRCh37 (hg19) VCF-style: chr1-62739302-G-A.
Other names: c.17-2041C>T (NM_001320269.2); short protein forms H492Y.
Identifiers: ClinVar variation 3350287 (VCV003350287.4).
Genomic context (GRCh38, chr1:62,273,630, plus strand): 5'-GGCCTCCTTCCTGTTCAGTGCCTGCTTCTTCAATCCTGAGTTCAGTGGAGAGGAAGCTAT[G>A]TACAGAGGAGGTAAGGACCTGCTCGGGTCCCTGTGGCAGTGACAGCTGGGGCAGAAGCAC-3'
Protein context (NP_859063.3, residues 482-502): GPEQVLTSSV[His492Tyr]SFLSTELRIE